The following is an entry in ClinVar:

ClinVar aggregate classification (germline): Uncertain significance. Review status: criteria provided, multiple submitters, no conflicts (2 of 4 stars). 8 submissions from 8 submitters: Uncertain significance (7). 1 of the submissions does not count toward it. Last evaluated 2026-01-26.

Conditions:
Hereditary breast ovarian cancer syndrome. Also called: Hereditary breast and ovarian cancer; Hereditary breast and ovarian cancer syndrome; Breast and ovarian cancer; Hereditary breast and ovarian cancer syndrome (HBOC); Hereditary breast and/or ovarian cancer syndrome; BRCA1- and BRCA2-Associated Hereditary Breast and Ovarian Cancer. Identifiers: Orphanet 145, MedGen C0677776, MeSH D061325, MONDO:0003582. Disease mechanism: loss of function.
Hereditary cancer-predisposing syndrome. Also called: Hereditary Cancer Syndrome; Neoplastic Syndromes, Hereditary; Tumor predisposition; Hereditary neoplastic syndrome. Identifiers: Orphanet 140162, MedGen C0027672, MeSH D009386, MONDO:0015356.
Breast-ovarian cancer, familial, susceptibility to, 2 (BROVCA2). Also called: BRCA2 Hereditary Breast and Ovarian Cancer. Identifiers: Orphanet 145, MedGen C2675520, MONDO:0012933, OMIM 612555. Disease mechanism: loss of function.
Familial cancer of breast. Also called: BREAST CANCER, FAMILIAL; Hereditary breast cancer; hereditary breast carcinoma. Identifiers: Orphanet 227535, MedGen C0346153, MONDO:0016419, OMIM 114480. Disease mechanism: loss of function.

Allele frequency attached by ClinVar (database versions not stated): gnomAD exomes below 0.00001; TOPMed below 0.00001.
gnomAD v4.1: 7 of 1,614,098 alleles (0.00043%); highest among the groups gnomAD compares: Non-Finnish European, 0.00042%; no homozygotes.

Submissions (8):

Labcorp Genetics (formerly Invitae), Labcorp
Classification: Uncertain significance for Hereditary breast ovarian cancer syndrome. Last evaluated: 2026-01-26. Review status: criteria provided, single submitter. Criteria: Invitae Variant Classification Sherloc (09022015). Collection method: clinical testing. Allele origin: germline.
Comment: This sequence change replaces arginine, which is basic and polar, with serine, which is neutral and polar, at codon 2651 of the BRCA2 protein (p.Arg2651Ser). This variant is not present in population databases (gnomAD no frequency). This variant has not been reported in the literature in individuals affected with BRCA2-related conditions. ClinVar contains an entry for this variant (Variation ID: 187076). Invitae Evidence Modeling of protein sequence and biophysical properties (such as structural, functional, and spatial information, amino acid conservation, physicochemical variation, residue mobility, and thermodynamic stability) indicates that this missense variant is not expected to disrupt BRCA2 protein function with a negative predictive value of 95%. RNA analysis performed to evaluate the impact of this missense change on mRNA splicing indicates it does not significantly alter splicing (internal data). In summary, the available evidence is currently insufficient to determine the role of this variant in disease. Therefore, it has been classified as a Variant of Uncertain Significance.

Baylor Genetics
Classification: Uncertain significance for Familial cancer of breast. Last evaluated: 2024-01-19. Review status: criteria provided, single submitter. Criteria: ACMG Guidelines, 2015. Collection method: clinical testing. Allele origin: unknown.

Ambry Genetics
Classification: Uncertain significance for Hereditary cancer-predisposing syndrome. Last evaluated: 2023-12-29. Review status: criteria provided, single submitter. Criteria: Ambry Variant Classification Scheme 2023. Collection method: clinical testing. Allele origin: germline.
Comment: The p.R2651S variant (also known as c.7953G>T), located in coding exon 16 of the BRCA2 gene, results from a G to T substitution at nucleotide position 7953. The arginine at codon 2651 is replaced by serine, an amino acid with dissimilar properties. This amino acid position is not well conserved in available vertebrate species. In addition, the in silico prediction for this alteration is inconclusive. Since supporting evidence is limited at this time, the clinical significance of this alteration remains unclear.

All of Us Research Program, National Institutes of Health
Classification: Uncertain significance for Breast-ovarian cancer, familial, susceptibility to, 2. Last evaluated: 2023-08-15. Review status: criteria provided, single submitter. Criteria: ACMG Guidelines, 2015. Collection method: clinical testing. Allele origin: germline. Inheritance: Autosomal dominant inheritance. Observed: 1 variant allele, 1 heterozygote.
Comment: This missense variant replaces arginine with serine at codon 2651 of the BRCA2 protein. Computational prediction is inconclusive regarding the impact of this variant on protein structure and function (internally defined REVEL score threshold 0.5 < inconclusive < 0.7, PMID: 27666373). Splice site prediction tools suggest that this variant may not impact RNA splicing. To our knowledge, functional studies have not been reported for this variant. This variant has not been reported in individuals affected with hereditary cancer in the literature. This variant has not been identified in the general population by the Genome Aggregation Database (gnomAD). The available evidence is insufficient to determine the role of this variant in disease conclusively. Therefore, this variant is classified as a Variant of Uncertain Significance.

This study involves interpretation of variants in research participants for the purpose of population health screening. Participant phenotype was not available at the time of variant classification. Additional details can be found in publication PMID: 35346344, PMCID: PMC8962531

Color Diagnostics, LLC DBA Color Health
Classification: Uncertain significance for Hereditary cancer-predisposing syndrome. Last evaluated: 2023-07-21. Review status: criteria provided, single submitter. Criteria: ACMG Guidelines, 2015. Collection method: clinical testing. Allele origin: germline.
Comment: This missense variant replaces arginine with serine at codon 2651 of the BRCA2 protein. Computational prediction is inconclusive regarding the impact of this variant on protein structure and function (internally defined REVEL score threshold 0.5 < inconclusive < 0.7, PMID: 27666373). This variant has been reported to be functional in a haploidized cell proliferation assay (PMID: 35190686). To our knowledge, this variant has not been reported in individuals affected with BRCA2-related disorders in the literature. This variant has not been identified in the general population by the Genome Aggregation Database (gnomAD). The available evidence is insufficient to determine the role of this variant in disease conclusively. Therefore, this variant is classified as a Variant of Uncertain Significance.

GeneDx
Classification: Uncertain significance. Last evaluated: 2020-01-17. Review status: criteria provided, single submitter. Criteria: GeneDx Variant Classification Process June 2021. Collection method: clinical testing. Allele origin: germline. Affected: yes.
Comment: Not observed in large population cohorts (Lek 2016); In silico analysis, which includes protein predictors and evolutionary conservation, supports that this variant does not alter protein structure/function; Also known as c.818G>T; This variant is associated with the following publications: (PMID: 20127978)

PreventionGenetics, part of Exact Sciences
Classification: Uncertain significance. Last evaluated: 2017-05-23. Review status: criteria provided, single submitter. Criteria: ACMG Guidelines, 2015. Collection method: clinical testing. Allele origin: germline.

Cancer Genetics and Genomics Laboratory, British Columbia Cancer Agency
Classification: Uncertain significance for Hereditary breast ovarian cancer syndrome. Last evaluated: 2016-04-14. Review status: no assertion criteria provided. Collection method: clinical testing. Allele origin: germline. Study: The Canadian Open Genetics Repository (COGR). Not counted in ClinVar's aggregate classification.

Literature cited by the submitters: PubMed 35190686 (cited by Color Diagnostics, LLC DBA Color Health).

NM_000059.4(BRCA2):c.7953G>T (p.Arg2651Ser)

Gene: BRCA2 (BRCA2 DNA repair associated; plus strand). Cytogenetic location: 13q13.1.
Variant type: single nucleotide variant.
Coding change: c.7953G>T on transcript NM_000059.4 (MANE Select); coding-DNA position 7953, G replaced by T.
Protein change: p.Arg2651Ser; replaces arginine 2651 with serine.
Molecular consequence: missense variant.
Genome position (GRCh38, 1-based): chr13:32,362,670, G>T. VCF-style: chr13-32362670-G-T. GRCh37 (hg19) VCF-style: chr13-32936807-G-T.
Other names: short protein forms R2651S.
Identifiers: ClinVar variation 187076 (VCV000187076.21), dbSNP rs752351454, ClinGen allele CA025352.